The following is an entry in ClinVar:

NM_000422.3(KRT17):c.242_243delinsTC (p.Ala81Val)

Gene: KRT17 (keratin 17; minus strand). Cytogenetic location: 17q21.2.
Variant type: Indel.
Coding change: c.242_243delinsTC on transcript NM_000422.3 (MANE Select); coding-DNA positions 242 to 243, CT replaced by TC.
Protein change: p.Ala81Val; replaces alanine 81 with valine.
Molecular consequence: missense variant.
Genome position (GRCh38, 1-based): chr17:41,624,267-41,624,268, AG replaced by GA on the plus strand (CT replaced by TC on the coding strand, the reverse complement: KRT17 is on the minus strand). VCF-style: chr17-41624267-AG-GA. GRCh37 (hg19) VCF-style: chr17-39780519-AG-GA.
Other names: short protein forms A81V.
Identifiers: ClinVar variation 2579370 (VCV002579370.5), dbSNP rs2543827887, ClinGen allele CA2580617964.
Genomic context (GRCh38, chr17:41,624,267, plus strand): 5'-CTTGTCCAGGTAGGAGGCCAGGCGGTCATTGAGGTTCTGCATGGTGGCCTTCTCACCTCC[AG>GA]CCAGCAGCCCATCAACACCCCCAAAGCTGCTGCCATAGCCACCACCAGAGCCAAAGCTGT-3'
Protein context (NP_000413.1, residues 71-91): SSFGGVDGLL[Ala81Val]GGEKATMQNL

ClinVar aggregate classification (germline): Uncertain significance. Review status: criteria provided, multiple submitters, no conflicts (2 of 4 stars). 2 submissions from 2 submitters: Uncertain significance (2). Last evaluated 2026-02-04.

Submissions (2):

GeneDx
Classification: Uncertain significance. Last evaluated: 2026-02-04. Review status: criteria provided, single submitter. Criteria: GeneDx Variant Classification Process June 2021. Collection method: clinical testing. Allele origin: germline. Affected: yes.
Comment: Has not been previously published as pathogenic or benign to our knowledge; In silico analysis suggests that this variant does not alter protein structure/function

Labcorp Genetics (formerly Invitae), Labcorp
Classification: Uncertain significance. Last evaluated: 2023-01-12. Review status: criteria provided, single submitter. Criteria: Invitae Variant Classification Sherloc (09022015). Collection method: clinical testing. Allele origin: germline.
Comment: In summary, the available evidence is currently insufficient to determine the role of this variant in disease. Therefore, it has been classified as a Variant of Uncertain Significance. Algorithms developed to predict the effect of missense changes on protein structure and function are either unavailable or do not agree on the potential impact of this missense change (SIFT: "Not Available"; PolyPhen-2: "Benign"; Align-GVGD: "Not Available"). This variant has not been reported in the literature in individuals affected with KRT17-related conditions. The frequency data for this variant in the population databases is considered unreliable, as metrics indicate poor data quality at this position in the gnomAD database. This sequence change replaces alanine, which is neutral and non-polar, with valine, which is neutral and non-polar, at codon 81 of the KRT17 protein (p.Ala81Val).